The following is an entry in ClinVar:

ClinVar aggregate classification (germline): Benign (1 of 4 stars; one submission).

Conditions:
Familial adenomatous polyposis 1 (FAP1). Also called: POLYPOSIS, ADENOMATOUS INTESTINAL; FAMILIAL ADENOMATOUS POLYPOSIS 1, ATTENUATED. Identifiers: MedGen C2713442, MONDO:0021056, OMIM 175100. Disease mechanism: loss of function.

gnomAD v4.1: 2 of 1,612,494 alleles (0.00012%); highest among the groups gnomAD compares: Admixed American, 0.0017%; no homozygotes.

Submission:

Myriad Genetics, Inc.
Classification: Benign for Familial adenomatous polyposis 1. Last evaluated: 2024-03-08. Review status: criteria provided, single submitter. Criteria: Myriad Autosomal Dominant, Autosomal Recessive and X-Linked Classification Criteria (2023). Collection method: clinical testing. Allele origin: unknown.
Comment: This variant is considered benign. This variant is a silent/synonymous amino acid change and it is not expected to impact splicing.

NM_000038.6(APC):c.1968A>G (p.Leu656=)

Gene: APC (APC regulator of Wnt signaling pathway; plus strand). Cytogenetic location: 5q22.2.
Variant type: single nucleotide variant.
Coding change: c.1968A>G on transcript NM_000038.6 (MANE Select); coding-DNA position 1968, A replaced by G.
Protein change: p.Leu656=; no amino-acid change (leucine 656 retained).
Molecular consequence: synonymous variant. On other transcripts: non-coding transcript variant (2).
Genome position (GRCh38, 1-based): chr5:112,837,562, A>G. VCF-style: chr5-112837562-A-G. GRCh37 (hg19) VCF-style: chr5-112173259-A-G.
Other names: c.1968A>G, p.Leu656= (NM_001127510.3, NM_001354895.2, NM_001407450.1); c.1914A>G, p.Leu638= (NM_001127511.3); c.2022A>G, p.Leu674= (NM_001354896.2, NM_001407447.1, NM_001407448.1 and 1 more transcripts); c.1998A>G, p.Leu666= (NM_001354897.2); c.1893A>G, p.Leu631= (NM_001354898.2); c.1884A>G, p.Leu628= (NM_001354899.2); c.1845A>G, p.Leu615= (NM_001354900.2); c.1791A>G, p.Leu597= (NM_001354901.2, NM_001407453.1); and 11 more.
Identifiers: ClinVar variation 3148154 (VCV003148154.1), dbSNP rs1451500350, ClinGen allele CA445963272.